The following is an entry in ClinVar:

NM_001244008.2(KIF1A):c.3739G>A (p.Ala1247Thr)

Gene: KIF1A (kinesin family member 1A; minus strand). Cytogenetic location: 2q37.3.
Variant type: single nucleotide variant.
Coding change: c.3739G>A on transcript NM_001244008.2 (MANE Select); coding-DNA position 3739, G replaced by A.
Protein change: p.Ala1247Thr; replaces alanine 1247 with threonine.
Molecular consequence: missense variant.
Genome position (GRCh38, 1-based): chr2:240,741,279, C>T on the plus strand (G>A on the coding strand, the complement: KIF1A is on the minus strand). VCF-style: chr2-240741279-C-T. GRCh37 (hg19) VCF-style: chr2-241680696-C-T.
Other names: c.3463G>A, p.Ala1155Thr (NM_001320705.2, NM_001330289.2, NM_001379638.1); c.3538G>A, p.Ala1180Thr (NM_001330290.2, NM_001379634.1, NM_001379635.1 and 1 more transcripts); c.3814G>A, p.Ala1272Thr (NM_001379631.1); c.3688G>A, p.Ala1230Thr (NM_001379632.1); c.3712G>A, p.Ala1238Thr (NM_001379633.1, NM_001379642.1, NM_001379645.1); c.3436G>A, p.Ala1146Thr (NM_001379636.1, NM_001379639.1, NM_001379641.1 and 6 more transcripts); c.3511G>A, p.Ala1171Thr (NM_001379637.1, NM_001379648.1); c.3433G>A, p.Ala1145Thr (NM_001379640.1); and 1 more; short protein forms A1145T, A1146T, A1155T, A1171T, A1180T, A1230T, A1238T, A1247T.
Identifiers: ClinVar variation 1714957 (VCV001714957.7), dbSNP rs2537170189, ClinGen allele CA351315188.

ClinVar aggregate classification (germline): Uncertain significance. Review status: criteria provided, multiple submitters, no conflicts (2 of 4 stars). 2 submissions from 2 submitters: Uncertain significance (2). Last evaluated 2023-02-24.

Conditions:
Hereditary spastic paraplegia 30. Identifiers: Orphanet 101010, MedGen C5235139, MONDO:0012476.
Neuropathy, hereditary sensory, type 2C. Also called: Hereditary sensory and autonomic neuropathy type IIC; KIF1A-Related HSAN2 (HSAN2C). Identifiers: Orphanet 970, MedGen C3280168, MONDO:0013634, OMIM 614213.
Intellectual disability, autosomal dominant 9 (NESCAVS). Also called: NESCAV SYNDROME; KIF1A-Related Neurodevelopmental Disorder. Identifiers: Orphanet 662367, MedGen C5393830, MONDO:0013656, OMIM 614255.

Allele frequency attached by ClinVar (database versions not stated): gnomAD exomes below 0.00001.
gnomAD v4.1: 1 of 1,593,134 alleles (0.000063%); highest among the groups gnomAD compares: Non-Finnish European, 0.000085%; no homozygotes.

Submissions (2):

GeneDx
Classification: Uncertain significance. Last evaluated: 2023-02-24. Review status: criteria provided, single submitter. Criteria: GeneDx Variant Classification Process June 2021. Collection method: clinical testing. Allele origin: germline. Affected: yes.
Comment: Not observed at significant frequency in large population cohorts (gnomAD); In silico analysis supports that this missense variant does not alter protein structure/function; Has not been previously published as pathogenic or benign to our knowledge

Labcorp Genetics (formerly Invitae), Labcorp
Classification: Uncertain significance for Hereditary spastic paraplegia 30; Neuropathy, hereditary sensory, type 2C; Intellectual disability, autosomal dominant 9. Last evaluated: 2022-08-03. Review status: criteria provided, single submitter. Criteria: Invitae Variant Classification Sherloc (09022015). Collection method: clinical testing. Allele origin: germline.
Comment: This variant is not present in population databases (gnomAD no frequency). This sequence change replaces alanine, which is neutral and non-polar, with threonine, which is neutral and polar, at codon 1146 of the KIF1A protein (p.Ala1146Thr). This variant has not been reported in the literature in individuals affected with KIF1A-related conditions. Advanced modeling of protein sequence and biophysical properties (such as structural, functional, and spatial information, amino acid conservation, physicochemical variation, residue mobility, and thermodynamic stability) performed at Invitae indicates that this missense variant is not expected to disrupt KIF1A protein function. In summary, the available evidence is currently insufficient to determine the role of this variant in disease. Therefore, it has been classified as a Variant of Uncertain Significance.